The following is an entry in ClinVar:

NM_007294.4(BRCA1):c.4093T>G (p.Leu1365Val)

Genes: BRCA1 (BRCA1 DNA repair associated; minus strand), LOC126862571 (BRD4-independent group 4 enhancer GRCh37_chr17:41243136-41244335; plus strand). Cytogenetic location: 17q21.31.
Variant type: single nucleotide variant.
Coding change: c.4093T>G on transcript NM_007294.4 (MANE Select); coding-DNA position 4093, T replaced by G.
Protein change: p.Leu1365Val; replaces leucine 1365 with valine.
Molecular consequence: missense variant. On other transcripts: intron variant (135).
Genome position (GRCh38, 1-based): chr17:43,091,438, A>C on the plus strand (T>G on the coding strand, the complement: BRCA1 is on the minus strand). VCF-style: chr17-43091438-A-C. GRCh37 (hg19) VCF-style: chr17-41243455-A-C.
Other names: c.3829T>G, p.Leu1277Val (NM_001407920.1, NM_001407921.1, NM_001407922.1 and 9 more transcripts); c.3826T>G, p.Leu1276Val (NM_001407930.1, NM_001407931.1, NM_001407932.1 and 2 more transcripts); c.3952T>G, p.Leu1318Val (NM_001407942.1, NM_001407944.1, NM_001407692.1 and 29 more transcripts); c.3949T>G, p.Leu1317Val (NM_001407943.1, NM_001407740.1, NM_001407741.1 and 20 more transcripts); c.3970T>G, p.Leu1324Val (NM_001407937.1, NM_001407938.1, NM_001407939.1 and 19 more transcripts); c.3967T>G, p.Leu1323Val (NM_001407940.1, NM_001407941.1, NM_001407649.1 and 11 more transcripts); c.3880T>G, p.Leu1294Val (NM_001407571.1, NM_001407853.1, NM_001407894.1 and 9 more transcripts); c.4093T>G, p.Leu1365Val (NM_001407581.1, NM_001407582.1, NM_001407583.1 and 30 more transcripts); and 41 more; short protein forms L1365V, L1318V, L1277V, L1297V, L1338V, L1069V, L1237V, L1253V.
Identifiers: ClinVar variation 634740 (VCV000634740.10), dbSNP rs1567788936, ClinGen allele CA10593772.

ClinVar aggregate classification (germline): Conflicting classifications of pathogenicity. Review status: criteria provided, conflicting classifications (1 of 4 stars). 4 submissions from 4 submitters: Uncertain significance (2); Likely benign (1). 1 of the submissions does not count toward it. Last evaluated 2023-11-24.

Conditions:
Hereditary cancer-predisposing syndrome. Also called: Tumor predisposition; Hereditary neoplastic syndrome; Neoplastic Syndromes, Hereditary; Hereditary Cancer Syndrome. Identifiers: Orphanet 140162, MedGen C0027672, MeSH D009386, MONDO:0015356.
Hereditary breast ovarian cancer syndrome. Also called: Breast and ovarian cancer; BRCA1- and BRCA2-Associated Hereditary Breast and Ovarian Cancer; Hereditary breast and ovarian cancer; Hereditary breast and ovarian cancer syndrome; Hereditary breast and ovarian cancer syndrome (HBOC); Hereditary breast and/or ovarian cancer syndrome. Identifiers: Orphanet 145, MedGen C0677776, MeSH D061325, MONDO:0003582. Disease mechanism: loss of function.
Ovarian neoplasm. Also called: Ovarian tumor; Ovarian Neoplasms; Neoplasm of ovary. Identifiers: MedGen C0919267, MeSH D010051, MONDO:0021068, HP:0100615.

Submissions (4):

Labcorp Genetics (formerly Invitae), Labcorp
Classification: Uncertain significance for Hereditary breast ovarian cancer syndrome. Last evaluated: 2023-11-24. Review status: criteria provided, single submitter. Criteria: Invitae Variant Classification Sherloc (09022015). Collection method: clinical testing. Allele origin: germline.
Comment: This sequence change replaces leucine, which is neutral and non-polar, with valine, which is neutral and non-polar, at codon 1365 of the BRCA1 protein (p.Leu1365Val). This variant is not present in population databases (gnomAD no frequency). This missense change has been observed in individual(s) with ovarian cancer (PMID: 29053726). ClinVar contains an entry for this variant (Variation ID: 634740). Advanced modeling of protein sequence and biophysical properties (such as structural, functional, and spatial information, amino acid conservation, physicochemical variation, residue mobility, and thermodynamic stability) performed at Invitae indicates that this missense variant is not expected to disrupt BRCA1 protein function with a negative predictive value of 95%. Algorithms developed to predict the effect of sequence changes on RNA splicing suggest that this variant may disrupt the consensus splice site. In summary, the available evidence is currently insufficient to determine the role of this variant in disease. Therefore, it has been classified as a Variant of Uncertain Significance.

University of Washington Department of Laboratory Medicine, University of Washington
Classification: Likely benign for Hereditary cancer-predisposing syndrome. Last evaluated: 2023-03-23. Review status: criteria provided, single submitter. Criteria: Dines et al. (Genet Med. 2020). Collection method: curation. Allele origin: germline.
Comment: Missense variant in a coldspot region where missense variants are very unlikely to be pathogenic (PMID:31911673).

BRCA1 coldspot (exon 11 using historical exon numbering). Reclassification based on statistical prior probability

Ambry Genetics
Classification: Uncertain significance for Hereditary cancer-predisposing syndrome. Last evaluated: 2021-10-20. Review status: criteria provided, single submitter. Criteria: Ambry Variant Classification Scheme 2023. Collection method: clinical testing. Allele origin: germline.
Comment: The p.L1365V variant (also known as c.4093T>G), located in coding exon 9 of the BRCA1 gene, results from a T to G substitution at nucleotide position 4093. The leucine at codon 1365 is replaced by valine, an amino acid with highly similar properties. This amino acid position is well conserved in available vertebrate species. In addition, the in silico prediction for this alteration is inconclusive. Since supporting evidence is limited at this time, the clinical significance of this alteration remains unclear.

German Consortium for Hereditary Breast and Ovarian Cancer, University Hospital Cologne
Classification: Likely pathogenic for Ovarian neoplasm. Last evaluated: 2018-12-01. Review status: no assertion criteria provided. Collection method: research. Allele origin: germline. Affected: yes. Not counted in ClinVar's aggregate classification.

Literature cited by the submitters: PubMed 29053726 (cited by Labcorp Genetics (formerly Invitae), Labcorp and Ambry Genetics); PubMed 30979843 (cited by Ambry Genetics); PubMed 33087888 (cited by Ambry Genetics).